The following is an entry in ClinVar:

ClinVar aggregate classification (germline): Uncertain significance (1 of 4 stars; one submission).

Conditions:
Early-infantile DEE. Also called: Early infantile epileptic encephalopathy; Early infantile epileptic encephalopathy with suppression bursts; Ohtahara syndrome. Identifiers: Orphanet 1934, MedGen C0393706, MONDO:0800491.

Submission:

Labcorp Genetics (formerly Invitae), Labcorp
Classification: Uncertain significance for Early-infantile DEE. Last evaluated: 2024-05-28. Review status: criteria provided, single submitter. Criteria: Invitae Variant Classification Sherloc (09022015). Collection method: clinical testing. Allele origin: germline.
Comment: This sequence change replaces isoleucine, which is neutral and non-polar, with valine, which is neutral and non-polar, at codon 834 of the SCN1A protein (p.Ile834Val). This variant is not present in population databases (gnomAD no frequency). This variant has not been reported in the literature in individuals affected with SCN1A-related conditions. Advanced modeling of protein sequence and biophysical properties (such as structural, functional, and spatial information, amino acid conservation, physicochemical variation, residue mobility, and thermodynamic stability) has been performed at Invitae for this missense variant, however the output from this modeling did not meet the statistical confidence thresholds required to predict the impact of this variant on SCN1A protein function. In summary, the available evidence is currently insufficient to determine the role of this variant in disease. Therefore, it has been classified as a Variant of Uncertain Significance.

NM_001165963.4(SCN1A):c.2500A>G (p.Ile834Val)

Gene: SCN1A (sodium voltage-gated channel alpha subunit 1; minus strand). Cytogenetic location: 2q24.3.
Variant type: single nucleotide variant.
Coding change: c.2500A>G on transcript NM_001165963.4 (MANE Select); coding-DNA position 2500, A replaced by G.
Protein change: p.Ile834Val; replaces isoleucine 834 with valine.
Molecular consequence: missense variant. On other transcripts: non-coding transcript variant (1).
Genome position (GRCh38, 1-based): chr2:166,039,512, T>C on the plus strand (A>G on the coding strand, the complement: SCN1A is on the minus strand). VCF-style: chr2-166039512-T-C. GRCh37 (hg19) VCF-style: chr2-166896022-T-C.
Other names: c.2467A>G, p.Ile823Val (NM_001353950.2, NM_001353951.2, NM_001353952.2 and 2 more transcripts); c.2464A>G, p.Ile822Val (NM_001353954.2, NM_001353955.2); c.2416A>G, p.Ile806Val (NM_001353957.2, NM_001353958.2, NM_001165964.3); c.2413A>G, p.Ile805Val (NM_001353960.2); c.58A>G, p.Ile20Val (NM_001353961.2); c.2500A>G, p.Ile834Val (NM_001202435.3, NM_001353948.2); short protein forms I822V, I834V, I805V, I20V, I806V, I823V.
Identifiers: ClinVar variation 3707280 (VCV003707280.2).